The following is an entry in ClinVar:

NM_001349253.2(SCN11A):c.646A>T (p.Ile216Phe)

Gene: SCN11A (sodium voltage-gated channel alpha subunit 11; minus strand). Cytogenetic location: 3p22.2.
Variant type: single nucleotide variant.
Coding change: c.646A>T on transcript NM_001349253.2 (MANE Select); coding-DNA position 646, A replaced by T.
Protein change: p.Ile216Phe; replaces isoleucine 216 with phenylalanine.
Molecular consequence: missense variant.
Genome position (GRCh38, 1-based): chr3:38,925,481, T>A on the plus strand (A>T on the coding strand, the complement: SCN11A is on the minus strand). VCF-style: chr3-38925481-T-A. GRCh37 (hg19) VCF-style: chr3-38966972-T-A.
Other names: c.646A>T, p.Ile216Phe (NM_014139.3); short protein forms I216F.
Identifiers: ClinVar variation 3751509 (VCV003751509.2).

ClinVar aggregate classification (germline): Uncertain significance (1 of 4 stars; one submission).

Conditions:
Hereditary sensory and autonomic neuropathy type 7. Also called: HSAN VII; Neuropathy, hereditary sensory and autonomic, type VII. Identifiers: Orphanet 391397, MedGen C3809882, MONDO:0014244, OMIM 615548.
Familial episodic pain syndrome with predominantly lower limb involvement. Also called: Episodic pain syndrome, familial, 3. Identifiers: Orphanet 391384, Orphanet 391392, MedGen C3809899, MONDO:0014247, OMIM 615552.

gnomAD v4.1: 1 of 1,613,460 alleles (0.000062%); highest among the groups gnomAD compares: Non-Finnish European, 0.000085%; no homozygotes.

Submission:

Labcorp Genetics (formerly Invitae), Labcorp
Classification: Uncertain significance for Familial episodic pain syndrome with predominantly lower limb involvement; Hereditary sensory and autonomic neuropathy type 7. Last evaluated: 2024-10-06. Review status: criteria provided, single submitter. Criteria: Invitae Variant Classification Sherloc (09022015). Collection method: clinical testing. Allele origin: germline.
Comment: This sequence change replaces isoleucine, which is neutral and non-polar, with phenylalanine, which is neutral and non-polar, at codon 216 of the SCN11A protein (p.Ile216Phe). This variant is present in population databases (no rsID available, gnomAD 0.0009%). This variant has not been reported in the literature in individuals affected with SCN11A-related conditions. An algorithm developed to predict the effect of missense changes on protein structure and function outputs the following: PolyPhen-2: "Benign". The phenylalanine amino acid residue is found in multiple mammalian species, which suggests that this missense change does not adversely affect protein function. In summary, the available evidence is currently insufficient to determine the role of this variant in disease. Therefore, it has been classified as a Variant of Uncertain Significance.